The following is an entry in ClinVar:

ClinVar aggregate classification (germline): Uncertain significance (1 of 4 stars; one submission).

Submission:

Ambry Genetics
Classification: Uncertain significance. Last evaluated: 2025-11-30. Review status: criteria provided, single submitter. Criteria: Ambry Variant Classification Scheme 2023. Collection method: clinical testing. Allele origin: germline.
Comment: The p.A237T variant (also known as c.709G>A), located in coding exon 6 of the RNF43 gene, results from a G to A substitution at nucleotide position 709. The alanine at codon 237 is replaced by threonine, an amino acid with similar properties. This amino acid position is conserved. In addition, this alteration is predicted to be tolerated by in silico analysis. Based on the available evidence, the clinical significance of this variant remains unclear.

NM_017763.6(RNF43):c.709G>A (p.Ala237Thr)

Gene: RNF43 (ring finger protein 43; minus strand). Cytogenetic location: 17q22.
Variant type: single nucleotide variant.
Coding change: c.709G>A on transcript NM_017763.6 (MANE Select); coding-DNA position 709, G replaced by A.
Protein change: p.Ala237Thr; replaces alanine 237 with threonine.
Molecular consequence: missense variant.
Genome position (GRCh38, 1-based): chr17:58,360,923, C>T on the plus strand (G>A on the coding strand, the complement: RNF43 is on the minus strand). VCF-style: chr17-58360923-C-T. GRCh37 (hg19) VCF-style: chr17-56438284-C-T.
Other names: c.709G>A, p.Ala237Thr (NM_001305544.3, NM_001438820.1, NM_001438821.1 and 1 more transcripts); c.328G>A, p.Ala110Thr (NM_001305545.2, NM_001437987.1); short protein forms A110T, A237T.
Identifiers: ClinVar variation 4579013 (VCV004579013.1).
Genomic context (GRCh38, chr17:58,360,923, plus strand): 5'-CCCGGGCCTGCCTGCAGCTGGCCTGGTACCTCCTGGTGGCCAGCTGGCTGATGGCCCAGG[C>T]TGTTCTCTGCTGAAGCGGATCCTGGGAAGAGGAATGGGGCTCAGATTGGGGCATGGGCTC-3'
Protein context (NP_060233.3, residues 227-247): SRPDPLQQRT[Ala237Thr]WAISQLATRR